The following is an entry in ClinVar:

NM_000222.3(KIT):c.2060A>G (p.Asp687Gly)

Gene: KIT (KIT proto-oncogene, receptor tyrosine kinase; plus strand). Cytogenetic location: 4q12.
Variant type: single nucleotide variant.
Coding change: c.2060A>G on transcript NM_000222.3 (MANE Select); coding-DNA position 2060, A replaced by G.
Protein change: p.Asp687Gly; replaces aspartic acid 687 with glycine.
Molecular consequence: missense variant.
Genome position (GRCh38, 1-based): chr4:54,729,404, A>G. VCF-style: chr4-54729404-A-G. GRCh37 (hg19) VCF-style: chr4-55595570-A-G.
Other names: c.2048A>G, p.Asp683Gly (NM_001093772.2, NM_001385286.1); c.2063A>G, p.Asp688Gly (NM_001385284.1, NM_001385290.1); c.2060A>G, p.Asp687Gly (NM_001385285.1); c.2051A>G, p.Asp684Gly (NM_001385288.1, NM_001385292.1); short protein forms D684G, D687G, D683G, D688G.
Identifiers: ClinVar variation 5023288 (VCV005023288.1).
Genomic context (GRCh38, chr4:54,729,404, plus strand): 5'-TGGTCATTACAGAATATTGTTGCTATGGTGATCTTTTGAATTTTTTGAGAAGAAAACGTG[A>G]TTCATTTATTTGTTCAAAGCAGGAAGATCATGCAGAAGCTGCACTTTATAAGAATCTTCT-3'
Protein context (NP_000213.1, residues 677-697): DLLNFLRRKR[Asp687Gly]SFICSKQEDH

ClinVar aggregate classification (germline): Uncertain significance (1 of 4 stars; one submission).

Conditions:
Hereditary cancer-predisposing syndrome. Also called: Neoplastic Syndromes, Hereditary; Tumor predisposition; Hereditary neoplastic syndrome; Hereditary Cancer Syndrome. Identifiers: Orphanet 140162, MedGen C0027672, MeSH D009386, MONDO:0015356.

Submission:

Ambry Genetics
Classification: Uncertain significance for Hereditary cancer-predisposing syndrome. Last evaluated: 2026-06-18. Review status: criteria provided, single submitter. Criteria: Ambry Variant Classification Scheme 2023. Collection method: clinical testing. Allele origin: germline.
Comment: The p.D687G variant (also known as c.2060A>G), located in coding exon 14 of the KIT gene, results from an A to G substitution at nucleotide position 2060. The aspartic acid at codon 687 is replaced by glycine, an amino acid with similar properties. This amino acid position is well conserved in available vertebrate species. In addition, the in silico prediction for this alteration is inconclusive. Based on the available evidence, the clinical significance of this variant remains unclear.